The following is an entry in ClinVar:

ClinVar aggregate classification (germline): Uncertain significance. Review status: criteria provided, multiple submitters, no conflicts (2 of 4 stars). 3 submissions from 3 submitters: Uncertain significance (3). Last evaluated 2025-07-02.

Conditions:
Familial cancer of breast. Also called: BREAST CANCER, FAMILIAL; hereditary breast carcinoma; Hereditary breast cancer. Identifiers: Orphanet 227535, MedGen C0346153, MONDO:0016419, OMIM 114480. Disease mechanism: loss of function.
Hereditary cancer-predisposing syndrome. Also called: Neoplastic Syndromes, Hereditary; Tumor predisposition; Hereditary Cancer Syndrome; Hereditary neoplastic syndrome. Identifiers: Orphanet 140162, MedGen C0027672, MeSH D009386, MONDO:0015356.

Submissions (3):

Ambry Genetics
Classification: Uncertain significance for Hereditary cancer-predisposing syndrome. Last evaluated: 2025-07-02. Review status: criteria provided, single submitter. Criteria: Ambry Variant Classification Scheme 2023. Collection method: clinical testing. Allele origin: germline.
Comment: The p.P128T variant (also known as c.382C>A), located in coding exon 2 of the CHEK2 gene, results from a C to A substitution at nucleotide position 382. The proline at codon 128 is replaced by threonine, an amino acid with highly similar properties. This amino acid position is well conserved in available vertebrate species. In addition, the in silico prediction for this alteration is inconclusive. Since supporting evidence is limited at this time, the clinical significance of this alteration remains unclear.

Quest Diagnostics Nichols Institute San Juan Capistrano
Classification: Uncertain significance. Last evaluated: 2024-07-15. Review status: criteria provided, single submitter. Criteria: Quest Diagnostics criteria. Collection method: clinical testing. Allele origin: unknown.
Comment: The CHEK2 c.382C>A (p.Pro128Thr) variant has been reported in the published literature in an individual with breast cancer (PMID: 37449874 (2023)). Assessment of experimental evidence regarding the effect of this variant on protein function is inconclusive (PMID: 37449874 (2023)). This variant has not been reported in large, multi-ethnic general populations (Genome Aggregation Database). Analysis of this variant using bioinformatics tools for the prediction of the effect of amino acid changes on protein structure and function yielded predictions that this variant is benign. Based on the available information, we are unable to determine the clinical significance of this variant.

Labcorp Genetics (formerly Invitae), Labcorp
Classification: Uncertain significance for Familial cancer of breast. Last evaluated: 2024-01-11. Review status: criteria provided, single submitter. Criteria: Invitae Variant Classification Sherloc (09022015). Collection method: clinical testing. Allele origin: germline.
Comment: This sequence change replaces proline, which is neutral and non-polar, with threonine, which is neutral and polar, at codon 128 of the CHEK2 protein (p.Pro128Thr). This variant is not present in population databases (gnomAD no frequency). This variant has not been reported in the literature in individuals affected with CHEK2-related conditions. ClinVar contains an entry for this variant (Variation ID: 460828). An algorithm developed to predict the effect of missense changes on protein structure and function (PolyPhen-2) suggests that this variant is likely to be tolerated. In summary, the available evidence is currently insufficient to determine the role of this variant in disease. Therefore, it has been classified as a Variant of Uncertain Significance.

Literature cited by the submitters: PubMed 37449874 (cited by Quest Diagnostics Nichols Institute San Juan Capistrano); PubMed 25318351 (cited by Quest Diagnostics Nichols Institute San Juan Capistrano).

NM_007194.4(CHEK2):c.382C>A (p.Pro128Thr)

Gene: CHEK2 (checkpoint kinase 2; minus strand). Cytogenetic location: 22q12.1.
Variant type: single nucleotide variant.
Coding change: c.382C>A on transcript NM_007194.4 (MANE Select); coding-DNA position 382, C replaced by A.
Protein change: p.Pro128Thr; replaces proline 128 with threonine.
Molecular consequence: missense variant.
Genome position (GRCh38, 1-based): chr22:28,725,305, G>T on the plus strand (C>A on the coding strand, the complement: CHEK2 is on the minus strand). VCF-style: chr22-28725305-G-T. GRCh37 (hg19) VCF-style: chr22-29121293-G-T.
Other names: c.511C>A, p.Pro171Thr (NM_001005735.3); c.-396C>A (NM_001257387.3); c.382C>A, p.Pro128Thr (NM_001349956.3, NM_145862.3); short protein forms P128T, P171T.
Identifiers: ClinVar variation 460828 (VCV000460828.14), dbSNP rs1555927281, ClinGen allele CA411108074.